The following is an entry in ClinVar:

NM_022051.3(EGLN1):c.871A>G (p.Lys291Glu)

Genes: EGLN1 (egl-9 family hypoxia inducible factor 1; minus strand), LOC129932769 (ATAC-STARR-seq lymphoblastoid active region 2730; plus strand). Cytogenetic location: 1q42.2.
Variant type: single nucleotide variant.
Coding change: c.871A>G on transcript NM_022051.3 (MANE Select); coding-DNA position 871, A replaced by G.
Protein change: p.Lys291Glu; replaces lysine 291 with glutamic acid.
Molecular consequence: missense variant.
Genome position (GRCh38, 1-based): chr1:231,421,018, T>C on the plus strand (A>G on the coding strand, the complement: EGLN1 is on the minus strand). VCF-style: chr1-231421018-T-C. GRCh37 (hg19) VCF-style: chr1-231556764-T-C.
Other names: c.871A>G, p.Lys291Glu (NM_001377260.1, NM_001377261.1); short protein forms K291E.
Identifiers: ClinVar variation 2866385 (VCV002866385.3), dbSNP rs2527358161, ClinGen allele CA345234849.

ClinVar aggregate classification (germline): Uncertain significance (1 of 4 stars; one submission).

Conditions:
Erythrocytosis, familial, 3 (ECYT3). Identifiers: Orphanet 247511, MedGen C1853286, MONDO:0012353, OMIM 609820.

Submission:

Labcorp Genetics (formerly Invitae), Labcorp
Classification: Uncertain significance for Erythrocytosis, familial, 3. Last evaluated: 2023-05-20. Review status: criteria provided, single submitter. Criteria: Invitae Variant Classification Sherloc (09022015). Collection method: clinical testing. Allele origin: germline.
Comment: In summary, the available evidence is currently insufficient to determine the role of this variant in disease. Therefore, it has been classified as a Variant of Uncertain Significance. An algorithm developed to predict the effect of missense changes on protein structure and function (PolyPhen-2) suggests that this variant is likely to be tolerated. This sequence change replaces lysine, which is basic and polar, with glutamic acid, which is acidic and polar, at codon 291 of the EGLN1 protein (p.Lys291Glu). This variant is not present in population databases (gnomAD no frequency). This variant has not been reported in the literature in individuals affected with EGLN1-related conditions.